The following is an entry in ClinVar:

ClinVar aggregate classification (germline): Benign/Likely benign. Review status: criteria provided, multiple submitters, no conflicts (2 of 4 stars). 6 submissions from 6 submitters: Benign (3); Likely benign (3). Last evaluated 2026-02-01.

Allele frequency attached by ClinVar (database versions not stated): gnomAD exomes 0.00045 and 0.00104; ExAC 0.00115; gnomAD 0.00391 and 0.00410; ESP Exome Variant Server 0.00408; TOPMed 0.00442; 1000 Genomes Project 0.00639; 1000 Genomes Project 30x 0.00687.
gnomAD v4.1: 1,292 of 1,614,192 alleles (0.08%); highest among the groups gnomAD compares: African/African-American, 1.2%; 9 homozygotes.

Submissions (6):

Labcorp Genetics (formerly Invitae), Labcorp
Classification: Benign. Last evaluated: 2026-02-01. Review status: criteria provided, single submitter. Criteria: Invitae Variant Classification Sherloc (09022015). Collection method: clinical testing. Allele origin: germline.

Blueprint Genetics
Classification: Likely benign. Last evaluated: 2024-11-26. Review status: criteria provided, single submitter. Criteria: ACMG Guidelines, 2015. Collection method: clinical testing. Allele origin: germline.

CeGaT Center for Human Genetics Tuebingen
Classification: Benign. Last evaluated: 2024-07-01. Review status: criteria provided, single submitter. Criteria: CeGaT Center For Human Genetics Tuebingen Variant Classification Criteria Version 2. Collection method: clinical testing. Allele origin: germline. Affected: yes. Observed: 2 variant alleles.
Comment: SGPL1: BP4, BS1, BS2

Genetic Services Laboratory, University of Chicago
Classification: Benign. Last evaluated: 2021-12-10. Review status: criteria provided, single submitter. Criteria: ACMG Guidelines, 2015. Collection method: clinical testing. Allele origin: germline. Affected: no.

GeneDx
Classification: Likely benign. Last evaluated: 2020-06-18. Review status: criteria provided, single submitter. Criteria: GeneDx Variant Classification Process June 2021. Collection method: clinical testing. Allele origin: germline. Affected: yes.

Breakthrough Genomics
Classification: Likely benign. Review status: criteria provided, single submitter. Criteria: ACMG Guidelines, 2015. Collection method: not provided. Allele origin: germline. Inheritance: Autosomal recessive inheritance. Affected: yes.

NM_003901.4(SGPL1):c.1693C>T (p.Pro565Ser)

Gene: SGPL1 (sphingosine-1-phosphate lyase 1; plus strand). Cytogenetic location: 10q22.1.
Variant type: single nucleotide variant.
Coding change: c.1693C>T on transcript NM_003901.4 (MANE Select); coding-DNA position 1693, C replaced by T.
Protein change: p.Pro565Ser; replaces proline 565 with serine.
Molecular consequence: missense variant.
Genome position (GRCh38, 1-based): chr10:70,877,321, C>T. VCF-style: chr10-70877321-C-T. GRCh37 (hg19) VCF-style: chr10-72637078-C-T.
Other names: short protein forms P565S.
Identifiers: ClinVar variation 715776 (VCV000715776.37), dbSNP rs77130902, ClinGen allele CA5541550.
Genomic context (GRCh38, chr10:70,877,321, plus strand): 5'-TTCTTGGACAGCTTGTACAGCACCGACACTGTCACCCAGGGCAGCCAGATGAATGGTTCT[C>T]CAAAACCCCACTGAACTTGGACCCTTTCTAGTCTCAAGGGGATTCCAGCCTTCAGAAGGT-3'
Protein context (NP_003892.2, residues 555-568): VTQGSQMNGS[Pro565Ser]KPH